The following is an entry in ClinVar:

NM_007078.3(LDB3):c.2174T>C (p.Ile725Thr)

Gene: LDB3 (LIM domain binding 3; plus strand). Cytogenetic location: 10q23.2.
Variant type: single nucleotide variant.
Coding change: c.2174T>C on transcript NM_007078.3 (MANE Select); coding-DNA position 2174, T replaced by C.
Protein change: p.Ile725Thr; replaces isoleucine 725 with threonine.
Molecular consequence: missense variant.
Genome position (GRCh38, 1-based): chr10:86,732,966, T>C. VCF-style: chr10-86732966-T-C. GRCh37 (hg19) VCF-style: chr10-88492723-T-C.
Other names: c.1844T>C, p.Ile615Thr (NM_001080114.2); c.2189T>C, p.Ile730Thr (NM_001171610.2); c.1985T>C, p.Ile662Thr (NM_001368064.1, NM_001368065.1); c.2033T>C, p.Ile678Thr (NM_001368066.1); short protein forms I615T, I662T, I678T, I730T, I725T.
Identifiers: ClinVar variation 1509037 (VCV001509037.6), dbSNP rs748399477, ClinGen allele CA5585376.

ClinVar aggregate classification (germline): Uncertain significance (1 of 4 stars; one submission).

Conditions:
Myofibrillar myopathy 4. Also called: Zaspopathy (type). Identifiers: Orphanet 98912, MedGen C4721886, MONDO:0012277, OMIM 609452.

gnomAD v4.1: 9 of 1,613,428 alleles (0.00056%); highest among the groups gnomAD compares: South Asian, 0.0088%; no homozygotes.

Submission:

Labcorp Genetics (formerly Invitae), Labcorp
Classification: Uncertain significance for Myofibrillar myopathy 4. Last evaluated: 2021-01-25. Review status: criteria provided, single submitter. Criteria: Invitae Variant Classification Sherloc (09022015). Collection method: clinical testing. Allele origin: germline.
Comment: This variant has not been reported in the literature in individuals with LDB3-related conditions. In summary, the available evidence is currently insufficient to determine the role of this variant in disease. Therefore, it has been classified as a Variant of Uncertain Significance. Experimental studies and prediction algorithms are not available or were not evaluated, and the functional significance of this variant is currently unknown. This variant is present in population databases (rs748399477, ExAC 0.03%). This sequence change replaces isoleucine with threonine at codon 725 of the LDB3 protein (p.Ile725Thr). The LDB3 gene has multiple clinically relevant transcripts. This variant occurs in alternate transcript NM_007078.3, and corresponds to NM_001080116.1:c.*33592T>C in the primary transcript.